The following is an entry in ClinVar:

NM_000038.6(APC):c.5483C>G (p.Pro1828Arg)

Gene: APC (APC regulator of Wnt signaling pathway; plus strand). Cytogenetic location: 5q22.2.
Variant type: single nucleotide variant.
Coding change: c.5483C>G on transcript NM_000038.6 (MANE Select); coding-DNA position 5483, C replaced by G.
Protein change: p.Pro1828Arg; replaces proline 1828 with arginine.
Molecular consequence: missense variant. On other transcripts: non-coding transcript variant (2).
Genome position (GRCh38, 1-based): chr5:112,841,077, C>G. VCF-style: chr5-112841077-C-G. GRCh37 (hg19) VCF-style: chr5-112176774-C-G.
Other names: c.5483C>G, p.Pro1828Arg (NM_001127510.3, NM_001354895.2, NM_001407450.1); c.5429C>G, p.Pro1810Arg (NM_001127511.3); c.5537C>G, p.Pro1846Arg (NM_001354896.2, NM_001407447.1, NM_001407448.1 and 1 more transcripts); c.5513C>G, p.Pro1838Arg (NM_001354897.2); c.5408C>G, p.Pro1803Arg (NM_001354898.2); c.5399C>G, p.Pro1800Arg (NM_001354899.2); c.5360C>G, p.Pro1787Arg (NM_001354900.2); c.5306C>G, p.Pro1769Arg (NM_001354901.2, NM_001407453.1); and 11 more; short protein forms P1545R, P1737R, P1803R, P1810R, P1821R, P1828R, P1846R, P1702R.
Identifiers: ClinVar variation 3635487 (VCV003635487.2).

ClinVar aggregate classification (germline): Uncertain significance (1 of 4 stars; one submission).

Conditions:
Familial adenomatous polyposis 1 (FAP1). Also called: FAMILIAL ADENOMATOUS POLYPOSIS 1, ATTENUATED; POLYPOSIS, ADENOMATOUS INTESTINAL. Identifiers: MedGen C2713442, MONDO:0021056, OMIM 175100. Disease mechanism: loss of function.

Submission:

Labcorp Genetics (formerly Invitae), Labcorp
Classification: Uncertain significance for Familial adenomatous polyposis 1. Last evaluated: 2024-06-26. Review status: criteria provided, single submitter. Criteria: Invitae Variant Classification Sherloc (09022015). Collection method: clinical testing. Allele origin: germline.
Comment: This sequence change replaces proline, which is neutral and non-polar, with arginine, which is basic and polar, at codon 1828 of the APC protein (p.Pro1828Arg). This variant is not present in population databases (gnomAD no frequency). This variant has not been reported in the literature in individuals affected with APC-related conditions. Advanced modeling of protein sequence and biophysical properties (such as structural, functional, and spatial information, amino acid conservation, physicochemical variation, residue mobility, and thermodynamic stability) performed at Invitae indicates that this missense variant is not expected to disrupt APC protein function with a negative predictive value of 95%. In summary, the available evidence is currently insufficient to determine the role of this variant in disease. Therefore, it has been classified as a Variant of Uncertain Significance.